The following is an entry in ClinVar:

NM_001164665.2(KIAA1549):c.2137C>T (p.Arg713Cys)

Gene: KIAA1549 (KIAA1549; minus strand). Cytogenetic location: 7q34.
Variant type: single nucleotide variant.
Coding change: c.2137C>T on transcript NM_001164665.2 (MANE Select); coding-DNA position 2137, C replaced by T.
Protein change: p.Arg713Cys; replaces arginine 713 with cysteine.
Molecular consequence: missense variant.
Genome position (GRCh38, 1-based): chr7:138,917,489, G>A on the plus strand (C>T on the coding strand, the complement: KIAA1549 is on the minus strand). VCF-style: chr7-138917489-G-A. GRCh37 (hg19) VCF-style: chr7-138602235-G-A.
Other names: c.2137C>T, p.Arg713Cys (NM_020910.3); short protein forms R713C.
Identifiers: ClinVar variation 860077 (VCV000860077.8), dbSNP rs766782097, ClinGen allele CA4506568.

ClinVar aggregate classification (germline): Uncertain significance. Review status: criteria provided, multiple submitters, no conflicts (2 of 4 stars). 2 submissions from 2 submitters: Uncertain significance (2). Last evaluated 2023-04-20.

Conditions:
Inborn genetic diseases. Identifiers: MedGen C0950123, MeSH D030342.

Allele frequency attached by ClinVar (database versions not stated): ExAC 0.00002; gnomAD exomes 0.00003 and 0.00005; TOPMed 0.00006; gnomAD 0.00007.
gnomAD v4.1: 81 of 1,613,554 alleles (0.005%); highest among the groups gnomAD compares: Non-Finnish European, 0.0058%; no homozygotes.

Submissions (2):

Ambry Genetics
Classification: Uncertain significance for Inborn genetic diseases. Last evaluated: 2023-04-20. Review status: criteria provided, single submitter. Criteria: Ambry Variant Classification Scheme 2023. Collection method: clinical testing. Allele origin: germline.

Labcorp Genetics (formerly Invitae), Labcorp
Classification: Uncertain significance. Last evaluated: 2022-07-26. Review status: criteria provided, single submitter. Criteria: Invitae Variant Classification Sherloc (09022015). Collection method: clinical testing. Allele origin: germline.
Comment: This sequence change replaces arginine, which is basic and polar, with cysteine, which is neutral and slightly polar, at codon 713 of the KIAA1549 protein (p.Arg713Cys). This variant is present in population databases (rs766782097, gnomAD 0.007%). This variant has not been reported in the literature in individuals affected with KIAA1549-related conditions. ClinVar contains an entry for this variant (Variation ID: 860077). Algorithms developed to predict the effect of missense changes on protein structure and function (SIFT, PolyPhen-2, Align-GVGD) all suggest that this variant is likely to be tolerated. In summary, the available evidence is currently insufficient to determine the role of this variant in disease. Therefore, it has been classified as a Variant of Uncertain Significance.